The following is an entry in ClinVar:

NM_033026.6(PCLO):c.9517C>T (p.Leu3173Phe)

Gene: PCLO (piccolo presynaptic cytomatrix protein; minus strand). Cytogenetic location: 7q21.11.
Variant type: single nucleotide variant.
Coding change: c.9517C>T on transcript NM_033026.6 (MANE Select); coding-DNA position 9517, C replaced by T.
Protein change: p.Leu3173Phe; replaces leucine 3173 with phenylalanine.
Molecular consequence: missense variant.
Genome position (GRCh38, 1-based): chr7:82,951,071, G>A on the plus strand (C>T on the coding strand, the complement: PCLO is on the minus strand). VCF-style: chr7-82951071-G-A. GRCh37 (hg19) VCF-style: chr7-82580387-G-A.
Other names: c.9517C>T, p.Leu3173Phe (NM_014510.3); short protein forms L3173F.
Identifiers: ClinVar variation 1405093 (VCV001405093.3), dbSNP rs140332141, ClinGen allele CA4319907.
Genomic context (GRCh38, chr7:82,951,071, plus strand): 5'-CAGGAAACACTTCGGATGCTGTGGTTAAAGTGGGAACAGAGTCTATCGTCTCAGCAGTAA[G>A]AGACTCCATAGTAATAGTTTGCAAACTGGCACTGATATCAATACCAGTTACTGCAATGTC-3'
Protein context (NP_149015.2, residues 3163-3183): ASLQTITMES[Leu3173Phe]TAETIDSVPT

ClinVar aggregate classification (germline): Uncertain significance (1 of 4 stars; one submission).

Allele frequency attached by ClinVar (database versions not stated): ESP Exome Variant Server 0.00008; gnomAD exomes 0.00008; ExAC 0.00009; gnomAD 0.00014 and 0.00017; TOPMed 0.00031; 1000 Genomes Project 0.00060; 1000 Genomes Project 30x 0.00078.
gnomAD v4.1: 114 of 1,613,918 alleles (0.0071%); highest among the groups gnomAD compares: East Asian, 0.12%; 1 homozygote.

Submission:

Labcorp Genetics (formerly Invitae), Labcorp
Classification: Uncertain significance. Last evaluated: 2022-09-22. Review status: criteria provided, single submitter. Criteria: Invitae Variant Classification Sherloc (09022015). Collection method: clinical testing. Allele origin: germline.
Comment: This sequence change replaces leucine, which is neutral and non-polar, with phenylalanine, which is neutral and non-polar, at codon 3173 of the PCLO protein (p.Leu3173Phe). This variant is present in population databases (rs140332141, gnomAD 0.05%). This variant has not been reported in the literature in individuals affected with PCLO-related conditions. ClinVar contains an entry for this variant (Variation ID: 1405093). Algorithms developed to predict the effect of missense changes on protein structure and function output the following: SIFT: "Tolerated"; PolyPhen-2: "Not Available"; Align-GVGD: "Class C0". The phenylalanine amino acid residue is found in multiple mammalian species, which suggests that this missense change does not adversely affect protein function. In summary, the available evidence is currently insufficient to determine the role of this variant in disease. Therefore, it has been classified as a Variant of Uncertain Significance.